The following is an entry in ClinVar:

NM_022369.4(STRA6):c.*10A>C

Gene: STRA6 (signaling receptor and transporter of retinol STRA6; minus strand). Cytogenetic location: 15q24.1.
Variant type: single nucleotide variant.
Coding change: c.*10A>C on transcript NM_022369.4 (MANE Select); 10 bases downstream of the stop codon, A replaced by C.
Molecular consequence: 3 prime UTR variant.
Genome position (GRCh38, 1-based): chr15:74,180,070, T>G on the plus strand (A>C on the coding strand, the complement: STRA6 is on the minus strand). VCF-style: chr15-74180070-T-G. GRCh37 (hg19) VCF-style: chr15-74472411-T-G.
Other names: c.*10A>C (NM_001142617.2, NM_001142618.2, NM_001142619.2 and 3 more transcripts).
Identifiers: ClinVar variation 886754 (VCV000886754.7), dbSNP rs545309882, ClinGen allele CA7654366.

ClinVar aggregate classification (germline): Uncertain significance. Review status: criteria provided, multiple submitters, no conflicts (2 of 4 stars). 3 submissions from 3 submitters: Uncertain significance (2). 1 of the submissions does not count toward it. Last evaluated 2018-01-13.

Conditions:
STRA6-related disorder. Also called: STRA6-related condition.
Microphthalmia, syndromic 9. Also called: PULMONARY AGENESIS, MICROPHTHALMIA, AND DIAPHRAGMATIC DEFECT; SPEAR SYNDROME; Matthew-Wood syndrome; ANOPHTHALMIA, CLINICAL, WITH MILD FACIAL DYSMORPHISM AND VARIABLE MALFORMATIONS OF THE LUNG, HEART, AND DIAPHRAGM; ANOPHTHALMIA/MICROPHTHALMIA AND PULMONARY HYPOPLASIA. Identifiers: Orphanet 2470, MedGen C1832661, MONDO:0011010, OMIM 601186.

Allele frequency attached by ClinVar (database versions not stated): ExAC 0.00011; TOPMed 0.00014; gnomAD exomes 0.00015; 1000 Genomes Project 30x 0.00062; 1000 Genomes Project 0.00080.
gnomAD v4.1: 144 of 1,610,722 alleles (0.0089%); highest among the groups gnomAD compares: East Asian, 0.13%; 2 homozygotes.

Submissions (3):

Illumina Laboratory Services, Illumina
Classification: Uncertain significance for Microphthalmia, syndromic 9. Last evaluated: 2018-01-13. Review status: criteria provided, single submitter. Criteria: ICSL Variant Classification Criteria 13 December 2019. Collection method: clinical testing. Allele origin: germline.

Breakthrough Genomics
Classification: Uncertain significance. Review status: criteria provided, single submitter. Criteria: ACMG Guidelines, 2015. Collection method: not provided. Allele origin: germline. Inheritance: Autosomal recessive inheritance. Affected: yes.

PreventionGenetics, part of Exact Sciences
Classification: Likely benign for STRA6-related condition. Last evaluated: 2020-03-02. Review status: no assertion criteria provided. Collection method: clinical testing. Allele origin: germline. Not counted in ClinVar's aggregate classification.
Comment: This variant is classified as likely benign based on ACMG/AMP sequence variant interpretation guidelines (Richards et al. 2015 PMID: 25741868, with internal and published modifications).